The following is an entry in ClinVar:

NM_006904.7(PRKDC):c.3281C>T (p.Ser1094Phe)

Gene: PRKDC (protein kinase, DNA-activated, catalytic subunit; minus strand). Cytogenetic location: 8q11.21.
Variant type: single nucleotide variant.
Coding change: c.3281C>T on transcript NM_006904.7 (MANE Select); coding-DNA position 3281, C replaced by T.
Protein change: p.Ser1094Phe; replaces serine 1094 with phenylalanine.
Molecular consequence: missense variant.
Genome position (GRCh38, 1-based): chr8:47,900,456, G>A on the plus strand (C>T on the coding strand, the complement: PRKDC is on the minus strand). VCF-style: chr8-47900456-G-A. GRCh37 (hg19) VCF-style: chr8-48813016-G-A.
Other names: c.3281C>T, p.Ser1094Phe (NM_001081640.2); short protein forms S1094F.
Identifiers: ClinVar variation 852378 (VCV000852378.7), dbSNP rs375944045, ClinGen allele CA4741228.

ClinVar aggregate classification (germline): Uncertain significance (1 of 4 stars; one submission).

Conditions:
Severe combined immunodeficiency due to DNA-PKcs deficiency. Also called: IMMUNODEFICIENCY 26 WITH NEUROLOGIC ABNORMALITIES; Immunodeficiency 26 with or without neurologic abnormalities. Identifiers: Orphanet 317425, MedGen C4014833, MONDO:0014423, OMIM 615966.

Allele frequency attached by ClinVar (database versions not stated): gnomAD exomes 0.00001 and 0.00002; ExAC 0.00005; TOPMed 0.00006; gnomAD 0.00010 and 0.00011; ESP Exome Variant Server 0.00017.
gnomAD v4.1: 19 of 1,607,838 alleles (0.0012%); highest among the groups gnomAD compares: African/African-American, 0.02%; no homozygotes.

Submission:

Labcorp Genetics (formerly Invitae), Labcorp
Classification: Uncertain significance for Severe combined immunodeficiency due to DNA-PKcs deficiency. Last evaluated: 2022-07-18. Review status: criteria provided, single submitter. Criteria: Invitae Variant Classification Sherloc (09022015). Collection method: clinical testing. Allele origin: germline.
Comment: This sequence change replaces serine, which is neutral and polar, with phenylalanine, which is neutral and non-polar, at codon 1094 of the PRKDC protein (p.Ser1094Phe). This variant is present in population databases (rs375944045, gnomAD 0.01%). This variant has not been reported in the literature in individuals affected with PRKDC-related conditions. ClinVar contains an entry for this variant (Variation ID: 852378). In summary, the available evidence is currently insufficient to determine the role of this variant in disease. Therefore, it has been classified as a Variant of Uncertain Significance.